The following is an entry in ClinVar:

NM_004984.4(KIF5A):c.1692T>C (p.Ile564=)

Gene: KIF5A (kinesin family member 5A; plus strand). Cytogenetic location: 12q13.3.
Variant type: single nucleotide variant.
Coding change: c.1692T>C on transcript NM_004984.4 (MANE Select); coding-DNA position 1692, T replaced by C.
Protein change: p.Ile564=; no amino-acid change (isoleucine 564 retained).
Molecular consequence: synonymous variant.
Genome position (GRCh38, 1-based): chr12:57,572,702, T>C. VCF-style: chr12-57572702-T-C. GRCh37 (hg19) VCF-style: chr12-57966485-T-C.
Other names: c.1425T>C, p.Ile475= (NM_001354705.2).
Identifiers: ClinVar variation 3353392 (VCV003353392.1).
Genomic context (GRCh38, chr12:57,572,702, plus strand): 5'-AAAACGAATTGCTGAGGTGCTGAACGGGCTGATGAAGGATCTGAGCGAGTTCAGTGTCAT[T>C]GTGGGCAACGGGGAGATTAAGCTGGTGAGTGGTGAGAGACAGCAGCCTTGTTCAGGCTGG-3'
Protein context (NP_004975.2, residues 554-574): LMKDLSEFSV[Ile564=]VGNGEIKLPV

ClinVar aggregate classification (germline): Likely benign (0 of 4 stars; one submission).

Conditions:
KIF5A-related disorder. Also called: KIF5A-related disorders; KIF5A-related condition.

Submission:

PreventionGenetics, part of Exact Sciences
Classification: Likely benign for KIF5A-related condition. Last evaluated: 2023-10-03. Review status: no assertion criteria provided. Collection method: clinical testing. Allele origin: germline.
Comment: This variant is classified as likely benign based on ACMG/AMP sequence variant interpretation guidelines (Richards et al. 2015 PMID: 25741868, with internal and published modifications).